The following is an entry in ClinVar:

ClinVar aggregate classification (germline): Pathogenic/Likely pathogenic. Review status: criteria provided, multiple submitters, no conflicts (2 of 4 stars). 3 submissions from 3 submitters: Pathogenic (1); Likely pathogenic (2). Last evaluated 2024-10-04.

Conditions:
Alacrima, achalasia, and impaired intellectual development syndrome. Also called: Alacrima, achalasia, and intellectual disability syndrome; Alacrima, achalasia, and mental retardation syndrome. Identifiers: Orphanet 869, MedGen C4706563, MONDO:0014219, OMIM 615510.
GMPPA-related disorders.

Allele frequency attached by ClinVar (database versions not stated): gnomAD exomes 0.00003 and 0.00006; gnomAD 0.00007; ExAC 0.00002; TOPMed 0.00001.

Submissions (3):

Blueprint Genetics
Classification: Likely pathogenic for GMPPA-related disorders. Last evaluated: 2024-10-04. Review status: criteria provided, single submitter. Criteria: ACMG Guidelines, 2015. Collection method: clinical testing. Allele origin: de novo. Affected: yes. Observed: 5 variant alleles.

Labcorp Genetics (formerly Invitae), Labcorp
Classification: Pathogenic for Alacrima, achalasia, and impaired intellectual development syndrome. Last evaluated: 2023-07-17. Review status: criteria provided, single submitter. Criteria: Invitae Variant Classification Sherloc (09022015). Collection method: clinical testing. Allele origin: germline.
Comment: This sequence change creates a premature translational stop signal (p.Trp214Phefs*30) in the GMPPA gene. It is expected to result in an absent or disrupted protein product. Loss-of-function variants in GMPPA are known to be pathogenic (PMID: 24035193). For these reasons, this variant has been classified as Pathogenic. Algorithms developed to predict the effect of sequence changes on RNA splicing suggest that this variant may create or strengthen a splice site. ClinVar contains an entry for this variant (Variation ID: 1686640). This variant has not been reported in the literature in individuals affected with GMPPA-related conditions. This variant is present in population databases (rs745806762, gnomAD 0.04%).

Mayo Clinic Laboratories, Mayo Clinic
Classification: Likely pathogenic. Last evaluated: 2021-08-16. Review status: criteria provided, single submitter. Criteria: ACMG Guidelines, 2015. Collection method: clinical testing. Allele origin: germline.
Comment: PM2, PVS1

Literature cited by the submitters: PubMed 24035193 (cited by Labcorp Genetics (formerly Invitae), Labcorp).

NM_013335.4(GMPPA):c.637_640dup (p.Trp214fs)

Genes: ASIC4-AS1 (ASIC4 antisense RNA 1; minus strand), GMPPA (GDP-mannose pyrophosphorylase A; plus strand). Cytogenetic location: 2q35.
Variant type: Duplication.
Coding change: c.637_640dup on transcript NM_013335.4 (MANE Select); coding-DNA positions 637 to 640, 4 bases duplicated (TTGT; older notation c.637_640dupTTGT).
Protein change: p.Trp214fs; shifts the reading frame from tryptophan 214.
Molecular consequence: frameshift variant.
Genome position (GRCh38, 1-based): chr2:219,505,244-219,505,247, TTGT duplicated. VCF-style (leftmost placement, unchanged base first): chr2-219505243-C-CTTGT. GRCh37 (hg19) VCF-style: chr2-220369965-C-CTTGT.
Other names: c.637_640dup, p.Trp214fs (NM_001374294.1, NM_001374295.1, NM_205847.3); short protein forms W214fs.
Identifiers: ClinVar variation 1686640 (VCV001686640.8), dbSNP rs745806762, ClinGen allele CA2128260.